The following is an entry in ClinVar:

ClinVar aggregate classification (germline): Benign. Review status: criteria provided, multiple submitters, no conflicts (2 of 4 stars). 9 submissions from 9 submitters: Benign (8). 1 of the submissions does not count toward it. Last evaluated 2026-09-01.

Conditions:
Autoinflammatory syndrome. Identifiers: Orphanet 93665, MedGen C3890737, MONDO:0019751.
Lysinuric protein intolerance (LPI). Identifiers: Orphanet 470, MedGen C0268647, MONDO:0009109, OMIM 222700.

Allele frequency attached by ClinVar (database versions not stated): ESP Exome Variant Server 0.00900; gnomAD 0.00958; 1000 Genomes Project 30x 0.00656; 1000 Genomes Project 0.00659; TOPMed 0.00795.
gnomAD v4.1: 18,693 of 1,614,204 alleles (1.2%); highest among the groups gnomAD compares: Non-Finnish European, 1.3%; 133 homozygotes.

Submissions (9):

CeGaT Center for Human Genetics Tuebingen
Classification: Benign. Last evaluated: 2026-09-01. Review status: criteria provided, single submitter. Criteria: CeGaT Center For Human Genetics Tuebingen Variant Classification Criteria Version 2. Collection method: clinical testing. Allele origin: germline. Affected: yes. Observed: 16 variant alleles.
Comment: SLC7A7: BP4, BP7, BS1, BS2

Labcorp Genetics (formerly Invitae), Labcorp
Classification: Benign for Lysinuric protein intolerance. Last evaluated: 2026-02-02. Review status: criteria provided, single submitter. Criteria: Invitae Variant Classification Sherloc (09022015). Collection method: clinical testing. Allele origin: germline.

Mayo Clinic Laboratories, Mayo Clinic
Classification: Benign. Last evaluated: 2025-02-12. Review status: criteria provided, single submitter. Criteria: ACMG Guidelines, 2015. Collection method: clinical testing. Allele origin: germline. Observed: 18 variant alleles.
Comment: BS1, BS2, BP4, BP7

Genome-Nilou Lab
Classification: Benign for Lysinuric protein intolerance. Last evaluated: 2021-11-07. Review status: criteria provided, single submitter. Criteria: ACMG Guidelines, 2015. Collection method: clinical testing. Allele origin: germline. Affected: no.

Genome Diagnostics Laboratory, The Hospital for Sick Children
Classification: Benign for Autoinflammatory syndrome. Last evaluated: 2020-07-01. Review status: criteria provided, single submitter. Criteria: ACMG Guidelines, 2015. Collection method: clinical testing. Allele origin: germline. Affected: yes.

Illumina Laboratory Services, Illumina
Classification: Benign for Lysinuric protein intolerance. Last evaluated: 2018-01-13. Review status: criteria provided, single submitter. Criteria: ICSL Variant Classification Criteria 13 December 2019. Collection method: clinical testing. Allele origin: germline.
Comment: This variant was observed in the ICSL laboratory as part of a predisposition screen in an ostensibly healthy population. It had not been previously curated by ICSL or reported in the Human Gene Mutation Database (HGMD: prior to June 1st, 2018), and was therefore a candidate for classification through an automated scoring system. Utilizing variant allele frequency, disease prevalence and penetrance estimates, and inheritance mode, an automated score was calculated to assess if this variant is too frequent to cause the disease. Based on the score and internal cut-off values, a variant classified as benign is not then subjected to further curation. The score for this variant resulted in a classification of benign for this disease.

GeneDx
Classification: Benign. Last evaluated: 2014-08-14. Review status: criteria provided, single submitter. Criteria: GeneDx Variant Classification (06012015). Collection method: clinical testing. Allele origin: germline. Affected: yes.
Comment: This variant is considered likely benign or benign based on one or more of the following criteria: it is a conservative change, it occurs at a poorly conserved position in the protein, it is predicted to be benign by multiple in silico algorithms, and/or has population frequency not consistent with disease.

Breakthrough Genomics
Classification: Benign. Review status: criteria provided, single submitter. Criteria: ACMG Guidelines, 2015. Collection method: not provided. Allele origin: germline. Inheritance: Autosomal recessive inheritance. Affected: yes.

Natera, Inc.
Classification: Benign for Lysinuric protein intolerance. Last evaluated: 2020-09-16. Review status: no assertion criteria provided. Collection method: clinical testing. Allele origin: germline. Not counted in ClinVar's aggregate classification.

NM_003982.4(SLC7A7):c.96G>A (p.Lys32=)

Genes: SLC7A7 (solute carrier family 7 member 7; minus strand), LOC130055323 (ATAC-STARR-seq lymphoblastoid silent region 5589; plus strand). Cytogenetic location: 14q11.2.
Variant type: single nucleotide variant.
Coding change: c.96G>A on transcript NM_003982.4 (MANE Select); coding-DNA position 96, G replaced by A.
Protein change: p.Lys32=; no amino-acid change (lysine 32 retained).
Molecular consequence: synonymous variant.
Genome position (GRCh38, 1-based): chr14:22,813,303, C>T on the plus strand (G>A on the coding strand, the complement: SLC7A7 is on the minus strand). VCF-style: chr14-22813303-C-T. GRCh37 (hg19) VCF-style: chr14-23282512-C-T.
Other names: p.K32K:AAG>AAA; p.Lys32=; c.96G>A, p.Lys32= (NM_001126105.3, NM_001126106.4).
Identifiers: ClinVar variation 203943 (VCV000203943.36), dbSNP rs45479698, ClinGen allele CA312989.